The following is an entry in ClinVar:

NM_024642.5(GALNT12):c.234G>A (p.Arg78=)

Gene: GALNT12 (polypeptide N-acetylgalactosaminyltransferase 12; plus strand). Cytogenetic location: 9q22.33.
Variant type: single nucleotide variant.
Coding change: c.234G>A on transcript NM_024642.5 (MANE Select); coding-DNA position 234, G replaced by A.
Protein change: p.Arg78=; no amino-acid change (arginine 78 retained).
Molecular consequence: synonymous variant.
Genome position (GRCh38, 1-based): chr9:98,807,932, G>A. VCF-style: chr9-98807932-G-A. GRCh37 (hg19) VCF-style: chr9-101570214-G-A.
Identifiers: ClinVar variation 2586453 (VCV002586453.3), dbSNP rs2490455829, ClinGen allele CA466647470.

ClinVar aggregate classification (germline): Benign/Likely benign. Review status: criteria provided, multiple submitters, no conflicts (2 of 4 stars). 2 submissions from 2 submitters: Benign (1); Likely benign (1). Last evaluated 2026-04-23.

Conditions:
Colorectal cancer, susceptibility to, 1. Also called: COLORECTAL ADENOMA AND CANCER, SUSCEPTIBILITY TO; COLORECTAL CANCER, SUSCEPTIBILITY TO, ON CHROMOSOME 9. Identifiers: MedGen C1837315, MONDO:0012132, OMIM 608812.

Allele frequency attached by ClinVar (database versions not stated): gnomAD exomes 0.00001.
gnomAD v4.1: 14 of 1,333,252 alleles (0.0011%); highest among the groups gnomAD compares: Non-Finnish European, 0.0014%; no homozygotes.

Submissions (2):

Myriad Genetics, Inc.
Classification: Benign for Colorectal cancer, susceptibility to, 1. Last evaluated: 2026-04-23. Review status: criteria provided, single submitter. Criteria: Myriad Autosomal Dominant, Autosomal Recessive and X-Linked Classification Criteria (2023). Collection method: clinical testing. Allele origin: unknown.
Comment: This variant is considered benign. This variant is a silent/synonymous amino acid change and it is not expected to impact splicing.

Ambry Genetics
Classification: Likely benign. Last evaluated: 2023-06-18. Review status: criteria provided, single submitter. Criteria: Ambry Variant Classification Scheme 2023. Collection method: clinical testing. Allele origin: germline.